The following is an entry in ClinVar:

NM_024408.4(NOTCH2):c.4015G>A (p.Gly1339Arg)

Gene: NOTCH2 (notch receptor 2; minus strand). Cytogenetic location: 1p12.
Variant type: single nucleotide variant.
Coding change: c.4015G>A on transcript NM_024408.4 (MANE Select); coding-DNA position 4015, G replaced by A.
Protein change: p.Gly1339Arg; replaces glycine 1339 with arginine.
Molecular consequence: missense variant.
Genome position (GRCh38, 1-based): chr1:119,925,801, C>T on the plus strand (G>A on the coding strand, the complement: NOTCH2 is on the minus strand). VCF-style: chr1-119925801-C-T. GRCh37 (hg19) VCF-style: chr1-120468424-C-T.
Other names: short protein forms G1339R.
Identifiers: ClinVar variation 1967250 (VCV001967250.6), dbSNP rs1395799589, ClinGen allele CA341891418.
Genomic context (GRCh38, chr1:119,925,801, plus strand): 5'-GCACACACTGCTCCCCCTTCCTACATTTCACTTGTCCACAGCTGCTCTGGCACCTTGCCC[C>T]GGAAAATCCCTGTGGAAATCAGTGAGGAAATAAAAATGGCATTGGTAGGAAAACAGTCAT-3'
Protein context (NP_077719.2, residues 1329-1349): FICRCPPGFS[Gly1339Arg]ARCQSSCGQV

ClinVar aggregate classification (germline): Uncertain significance. Review status: criteria provided, multiple submitters, no conflicts (2 of 4 stars). 2 submissions from 2 submitters: Uncertain significance (2). Last evaluated 2024-04-07.

Conditions:
Hajdu-Cheney syndrome (HJCYS). Also called: ACROOSTEOLYSIS WITH OSTEOPOROSIS AND CHANGES IN SKULL AND MANDIBLE; SERPENTINE FIBULA-POLYCYSTIC KIDNEY SYNDROME; Acroosteolysis dominant type. Identifiers: Orphanet 955, MedGen C0917715, MONDO:0007057, OMIM 102500.
Alagille syndrome due to a NOTCH2 point mutation. Also called: Alagille syndrome 2. Identifiers: Orphanet 261629, Orphanet 52, MedGen C1857761, MONDO:0012439, OMIM 610205.

Allele frequency attached by ClinVar (database versions not stated): gnomAD exomes below 0.00001; TOPMed below 0.00001; gnomAD 0.00001.
gnomAD v4.1: 6 of 1,613,894 alleles (0.00037%); highest among the groups gnomAD compares: East Asian, 0.0045%; no homozygotes.

Submissions (2):

Fulgent Genetics
Classification: Uncertain significance for Hajdu-Cheney syndrome; Alagille syndrome due to a NOTCH2 point mutation. Last evaluated: 2024-04-07. Review status: criteria provided, single submitter. Criteria: ACMG Guidelines, 2015. Collection method: clinical testing. Allele origin: germline.

Labcorp Genetics (formerly Invitae), Labcorp
Classification: Uncertain significance for Hajdu-Cheney syndrome. Last evaluated: 2022-02-24. Review status: criteria provided, single submitter. Criteria: Invitae Variant Classification Sherloc (09022015). Collection method: clinical testing. Allele origin: germline.
Comment: This variant has not been reported in the literature in individuals affected with NOTCH2-related conditions. This variant is present in population databases (no rsID available, gnomAD 0.01%). This sequence change replaces glycine, which is neutral and non-polar, with arginine, which is basic and polar, at codon 1339 of the NOTCH2 protein (p.Gly1339Arg). In summary, the available evidence is currently insufficient to determine the role of this variant in disease. Therefore, it has been classified as a Variant of Uncertain Significance. Advanced modeling of protein sequence and biophysical properties (such as structural, functional, and spatial information, amino acid conservation, physicochemical variation, residue mobility, and thermodynamic stability) performed at Invitae indicates that this missense variant is expected to disrupt NOTCH2 protein function.